The following is an entry in ClinVar:

ClinVar aggregate classification (germline): Likely benign. Review status: criteria provided, multiple submitters, no conflicts (2 of 4 stars). 3 submissions from 3 submitters: Likely benign (3). Last evaluated 2025-12-23.

Conditions:
Hereditary cancer-predisposing syndrome. Also called: Hereditary Cancer Syndrome; Tumor predisposition; Neoplastic Syndromes, Hereditary; Hereditary neoplastic syndrome. Identifiers: Orphanet 140162, MedGen C0027672, MeSH D009386, MONDO:0015356.
Ataxia-telangiectasia syndrome (AT). Also called: Cerebello-oculocutaneous telangiectasia; Immunodeficiency with ataxia telangiectasia; AT, COMPLEMENTATION GROUP C; Ataxia-telangiectasia, complementation group D; LOUIS-BAR SYNDROME; Ataxia-telangiectasia, complementation group E. Identifiers: Orphanet 100, MedGen C0004135, MONDO:0008840, OMIM 208900.

Submissions (3):

Labcorp Genetics (formerly Invitae), Labcorp
Classification: Likely benign for Ataxia-telangiectasia syndrome. Last evaluated: 2025-12-23. Review status: criteria provided, single submitter. Criteria: Invitae Variant Classification Sherloc (09022015). Collection method: clinical testing. Allele origin: germline.

Color Diagnostics, LLC DBA Color Health
Classification: Likely benign for Hereditary cancer-predisposing syndrome. Last evaluated: 2017-12-19. Review status: criteria provided, single submitter. Criteria: ACMG Guidelines, 2015. Collection method: clinical testing. Allele origin: germline.

GeneDx
Classification: Likely benign. Last evaluated: 2017-01-31. Review status: criteria provided, single submitter. Criteria: GeneDx Variant Classification (06012015). Collection method: clinical testing. Allele origin: germline. Affected: yes.
Comment: This variant is considered likely benign or benign based on one or more of the following criteria: it is a conservative change, it occurs at a poorly conserved position in the protein, it is predicted to be benign by multiple in silico algorithms, and/or has population frequency not consistent with disease.

NM_000051.4(ATM):c.2376+16del

Gene: ATM (ATM serine/threonine kinase; plus strand). Cytogenetic location: 11q22.3.
Variant type: Deletion.
Coding change: c.2376+16del on transcript NM_000051.4 (MANE Select); 16 bases into the intron after coding-DNA position 2376, one base deleted (T; older notation c.2376+16delT).
Molecular consequence: intron variant.
Genome position (GRCh38, 1-based): chr11:108,257,622, T deleted; the last of 2 consecutive T bases (chr11:108,257,621-108,257,622); deleting either gives the same sequence. VCF-style (leftmost placement, unchanged base first): chr11-108257620-CT-C. GRCh37 (hg19) VCF-style: chr11-108128347-CT-C.
Other names: c.2376+16delT (NM_000051.3); c.2376+16del (NM_001351834.2).
Identifiers: ClinVar variation 507249 (VCV000507249.11), dbSNP rs779169817, ClinGen allele CA6264999.